The following is an entry in ClinVar:

NM_005529.7(HSPG2):c.12487C>T (p.Arg4163Cys)

Gene: HSPG2 (heparan sulfate proteoglycan 2; minus strand). Cytogenetic location: 1p36.12.
Variant type: single nucleotide variant.
Coding change: c.12487C>T on transcript NM_005529.7 (MANE Select); coding-DNA position 12487, C replaced by T.
Protein change: p.Arg4163Cys; replaces arginine 4163 with cysteine.
Molecular consequence: missense variant.
Genome position (GRCh38, 1-based): chr1:21,828,075, G>A on the plus strand (C>T on the coding strand, the complement: HSPG2 is on the minus strand). VCF-style: chr1-21828075-G-A. GRCh37 (hg19) VCF-style: chr1-22154568-G-A.
Other names: c.12490C>T, p.Arg4164Cys (NM_001291860.2); short protein forms R4163C, R4164C.
Identifiers: ClinVar variation 1291813 (VCV001291813.7), dbSNP rs139743858, ClinGen allele CA669419.
Genomic context (GRCh38, chr1:21,828,075, plus strand): 5'-GCCAGGCCTGGGTACCTTGTTGGCAGCGTGGGCCAGAGAAGCCAGGGAGGCAGAGGCAGC[G>A]GGTGCCCTGGCAGGTGCCCCCATGCAGACAGGGTTCACGGAGCTGGCAGGGGTTCTCCTC-3'
Protein context (NP_005520.4, residues 4153-4173): CLHGGTCQGT[Arg4163Cys]CLCLPGFSGP

ClinVar aggregate classification (germline): Conflicting classifications of pathogenicity. Review status: criteria provided, conflicting classifications (1 of 4 stars). 5 submissions from 5 submitters: Uncertain significance (3); Benign (2). Last evaluated 2025-01-13.

Conditions:
Inborn genetic diseases. Identifiers: MedGen C0950123, MeSH D030342.

Allele frequency attached by ClinVar (database versions not stated): gnomAD exomes 0.00004 and 0.00006; gnomAD 0.00005 and 0.00006; TOPMed 0.00006; ExAC 0.00008; ESP Exome Variant Server 0.00015; 1000 Genomes Project 0.00040; 1000 Genomes Project 30x 0.00047.
gnomAD v4.1: 83 of 1,613,380 alleles (0.0051%); highest among the groups gnomAD compares: Middle Eastern, 0.3%; 1 homozygote.

Submissions (5):

Labcorp Genetics (formerly Invitae), Labcorp
Classification: Uncertain significance. Last evaluated: 2025-01-13. Review status: criteria provided, single submitter. Criteria: Invitae Variant Classification Sherloc (09022015). Collection method: clinical testing. Allele origin: germline.
Comment: This sequence change replaces arginine, which is basic and polar, with cysteine, which is neutral and slightly polar, at codon 4163 of the HSPG2 protein (p.Arg4163Cys). This variant is present in population databases (rs139743858, gnomAD 0.01%). This variant has not been reported in the literature in individuals affected with HSPG2-related conditions. ClinVar contains an entry for this variant (Variation ID: 1291813). An algorithm developed to predict the effect of missense changes on protein structure and function (PolyPhen-2) suggests that this variant is likely to be disruptive. In summary, the available evidence is currently insufficient to determine the role of this variant in disease. Therefore, it has been classified as a Variant of Uncertain Significance.

Blueprint Genetics
Classification: Uncertain significance. Last evaluated: 2024-11-21. Review status: criteria provided, single submitter. Criteria: ACMG Guidelines, 2015. Collection method: clinical testing. Allele origin: germline.

Ambry Genetics
Classification: Uncertain significance for Inborn genetic diseases. Last evaluated: 2022-06-03. Review status: criteria provided, single submitter. Criteria: Ambry Variant Classification Scheme 2023. Collection method: clinical testing. Allele origin: germline.
Comment: The c.12487C>T (p.R4163C) alteration is located in exon 89 (coding exon 89) of the HSPG2 gene. This alteration results from a C to T substitution at nucleotide position 12487, causing the arginine (R) at amino acid position 4163 to be replaced by a cysteine (C). The p.R4163C alteration is predicted to be tolerated by in silico analysis. Based on insufficient or conflicting evidence, the clinical significance of this alteration remains unclear.

GeneDx
Classification: Benign. Last evaluated: 2019-05-31. Review status: criteria provided, single submitter. Criteria: GeneDx Variant Classification Process June 2021. Collection method: clinical testing. Allele origin: germline. Affected: yes.

Breakthrough Genomics
Classification: Benign. Review status: criteria provided, single submitter. Criteria: ACMG Guidelines, 2015. Collection method: not provided. Allele origin: germline. Inheritance: Autosomal recessive inheritance. Affected: yes.